The following is an entry in ClinVar:

NM_021100.5(NFS1):c.975G>A (p.Leu325=)

Gene: NFS1 (NFS1 cysteine desulfurase; minus strand). Cytogenetic location: 20q11.22.
Variant type: single nucleotide variant.
Coding change: c.975G>A on transcript NM_021100.5 (MANE Select); coding-DNA position 975, G replaced by A.
Protein change: p.Leu325=; no amino-acid change (leucine 325 retained).
Molecular consequence: synonymous variant. On other transcripts: non-coding transcript variant (1).
Genome position (GRCh38, 1-based): chr20:35,674,591, C>T on the plus strand (G>A on the coding strand, the complement: NFS1 is on the minus strand). VCF-style: chr20-35674591-C-T. GRCh37 (hg19) VCF-style: chr20-34262513-C-T.
Other names: c.822G>A, p.Leu274= (NM_001198989.2).
Identifiers: ClinVar variation 2652286 (VCV002652286.24), dbSNP rs2515474626, ClinGen allele CA510351729.

ClinVar aggregate classification (germline): Likely benign (1 of 4 stars; one submission).

Submission:

CeGaT Center for Human Genetics Tuebingen
Classification: Likely benign. Last evaluated: 2022-07-01. Review status: criteria provided, single submitter. Criteria: CeGaT Center For Human Genetics Tuebingen Variant Classification Criteria Version 2. Collection method: clinical testing. Allele origin: germline. Affected: yes. Observed: 1 variant allele.
Comment: NFS1: PM2:Supporting, BP4, BP7